The following is an entry in ClinVar:

ClinVar aggregate classification (germline): Uncertain significance (1 of 4 stars; one submission).

Submission:

Ambry Genetics
Classification: Uncertain significance. Last evaluated: 2025-06-23. Review status: criteria provided, single submitter. Criteria: Ambry Variant Classification Scheme 2023. Collection method: clinical testing. Allele origin: germline.
Comment: The p.K600R variant (also known as c.1799A>G), located in coding exon 18 of the KIF1B gene, results from an A to G substitution at nucleotide position 1799. The lysine at codon 600 is replaced by arginine, an amino acid with highly similar properties. This amino acid position is conserved. In addition, this alteration is predicted to be tolerated by in silico analysis. Since supporting evidence is limited at this time, the clinical significance of this alteration remains unclear.

NM_001365951.3(KIF1B):c.1937A>G (p.Lys646Arg)

Gene: KIF1B (kinesin family member 1B; plus strand). Cytogenetic location: 1p36.22.
Variant type: single nucleotide variant.
Coding change: c.1937A>G on transcript NM_001365951.3 (MANE Select); coding-DNA position 1937, A replaced by G.
Protein change: p.Lys646Arg; replaces lysine 646 with arginine.
Molecular consequence: missense variant.
Genome position (GRCh38, 1-based): chr1:10,296,972, A>G. VCF-style: chr1-10296972-A-G. GRCh37 (hg19) VCF-style: chr1-10357030-A-G.
Other names: c.1937A>G, p.Lys646Arg (NM_001365952.1); c.1799A>G, p.Lys600Arg (NM_001365953.1, NM_015074.3, NM_183416.4); short protein forms K646R, K600R.
Identifiers: ClinVar variation 2448711 (VCV002448711.3), dbSNP rs2521402312, ClinGen allele CA338316830.
Genomic context (GRCh38, chr1:10,296,972, plus strand): 5'-TGGGTAAAAACCATGTTTTCCGCTTTAACCACCCGGAACAAGCACGAGCTGAGCGAGAGA[A>G]GACTCCTTCTGCTGAGACCCCCTCTGAGCCTGTGGACTGGACATTTGCCCAGAGGGAGCT-3'
Protein context (NP_001352880.1, residues 636-656): HPEQARAERE[Lys646Arg]TPSAETPSEP